The following is an entry in ClinVar:

NM_001164665.2(KIAA1549):c.4813C>T (p.His1605Tyr)

Gene: KIAA1549 (KIAA1549; minus strand). Cytogenetic location: 7q34.
Variant type: single nucleotide variant.
Coding change: c.4813C>T on transcript NM_001164665.2 (MANE Select); coding-DNA position 4813, C replaced by T.
Protein change: p.His1605Tyr; replaces histidine 1605 with tyrosine.
Molecular consequence: missense variant.
Genome position (GRCh38, 1-based): chr7:138,868,091, G>A on the plus strand (C>T on the coding strand, the complement: KIAA1549 is on the minus strand). VCF-style: chr7-138868091-G-A. GRCh37 (hg19) VCF-style: chr7-138552837-G-A.
Other names: c.4813C>T, p.His1605Tyr (NM_020910.3); short protein forms H1605Y.
Identifiers: ClinVar variation 958941 (VCV000958941.9), dbSNP rs1810804322, ClinGen allele CA369397855.

ClinVar aggregate classification (germline): Uncertain significance (1 of 4 stars; one submission).

Allele frequency attached by ClinVar (database versions not stated): gnomAD exomes below 0.00001.
gnomAD v4.1: 2 of 1,613,858 alleles (0.00012%); highest among the groups gnomAD compares: Middle Eastern, 0.017%; no homozygotes.

Submission:

Labcorp Genetics (formerly Invitae), Labcorp
Classification: Uncertain significance. Last evaluated: 2022-01-06. Review status: criteria provided, single submitter. Criteria: Invitae Variant Classification Sherloc (09022015). Collection method: clinical testing. Allele origin: germline.
Comment: This variant has not been reported in the literature in individuals affected with KIAA1549-related conditions. This variant is not present in population databases (gnomAD no frequency). This sequence change replaces histidine, which is basic and polar, with tyrosine, which is neutral and polar, at codon 1605 of the KIAA1549 protein (p.His1605Tyr). ClinVar contains an entry for this variant (Variation ID: 958941). In summary, the available evidence is currently insufficient to determine the role of this variant in disease. Therefore, it has been classified as a Variant of Uncertain Significance. Algorithms developed to predict the effect of missense changes on protein structure and function (SIFT, PolyPhen-2, Align-GVGD) all suggest that this variant is likely to be disruptive.